The following is an entry in ClinVar:

ClinVar aggregate classification (germline): Uncertain significance (1 of 4 stars; one submission).

Submission:

Labcorp Genetics (formerly Invitae), Labcorp
Classification: Uncertain significance. Last evaluated: 2025-07-22. Review status: criteria provided, single submitter. Criteria: Invitae Variant Classification Sherloc (09022015). Collection method: clinical testing. Allele origin: germline.
Comment: This sequence change replaces proline, which is neutral and non-polar, with threonine, which is neutral and polar, at codon 245 of the LRRC10 protein (p.Pro245Thr). This variant is not present in population databases (gnomAD no frequency). This variant has not been reported in the literature in individuals affected with LRRC10-related conditions. An algorithm developed to predict the effect of missense changes on protein structure and function (PolyPhen-2) suggests that this variant is likely to be tolerated. In summary, the available evidence is currently insufficient to determine the role of this variant in disease. Therefore, it has been classified as a Variant of Uncertain Significance.

NM_201550.4(LRRC10):c.733C>A (p.Pro245Thr)

Gene: LRRC10 (leucine rich repeat containing 10; minus strand). Cytogenetic location: 12q15.
Variant type: single nucleotide variant.
Coding change: c.733C>A on transcript NM_201550.4 (MANE Select); coding-DNA position 733, C replaced by A.
Protein change: p.Pro245Thr; replaces proline 245 with threonine.
Molecular consequence: missense variant.
Genome position (GRCh38, 1-based): chr12:69,610,106, G>T on the plus strand (C>A on the coding strand, the complement: LRRC10 is on the minus strand). VCF-style: chr12-69610106-G-T. GRCh37 (hg19) VCF-style: chr12-70003886-G-T.
Other names: short protein forms P245T.
Identifiers: ClinVar variation 4790486 (VCV004790486.1).